The following is an entry in ClinVar:

ClinVar aggregate classification (germline): Conflicting classifications of pathogenicity. Review status: criteria provided, conflicting classifications (1 of 4 stars). 5 submissions from 5 submitters: Uncertain significance (1); Likely benign (4). Last evaluated 2026-02-01.

Conditions:
Cardiovascular phenotype. Identifiers: MedGen CN230736.
Autosomal recessive limb-girdle muscular dystrophy type 2J (LGMDR10). Also called: MUSCULAR DYSTROPHY, LIMB-GIRDLE, AUTOSOMAL RECESSIVE 10; Limb-girdle muscular dystrophy, type 2J. Identifiers: Orphanet 140922, MedGen C1837342, MONDO:0012127, OMIM 608807.
Dilated cardiomyopathy 1G (CMD1G). Identifiers: Orphanet 154, MedGen C1858763, MONDO:0011400, OMIM 604145.

Allele frequency attached by ClinVar (database versions not stated): gnomAD 0.00001; gnomAD exomes 0.00002; TOPMed 0.00002; ExAC 0.00005.
gnomAD v4.1: 36 of 1,613,630 alleles (0.0022%); highest among the groups gnomAD compares: Non-Finnish European, 0.0028%; no homozygotes.

Submissions (5):

CeGaT Center for Human Genetics Tuebingen
Classification: Likely benign. Last evaluated: 2026-02-01. Review status: criteria provided, single submitter. Criteria: CeGaT Center For Human Genetics Tuebingen Variant Classification Criteria Version 2. Collection method: clinical testing. Allele origin: germline. Affected: yes. Observed: 2 variant alleles.
Comment: TTN: BP4, BP7

Labcorp Genetics (formerly Invitae), Labcorp
Classification: Likely benign for Dilated cardiomyopathy 1G; Autosomal recessive limb-girdle muscular dystrophy type 2J. Last evaluated: 2025-12-01. Review status: criteria provided, single submitter. Criteria: Invitae Variant Classification Sherloc (09022015). Collection method: clinical testing. Allele origin: germline.

Blueprint Genetics
Classification: Likely benign. Last evaluated: 2024-09-03. Review status: criteria provided, single submitter. Criteria: ACMG Guidelines, 2015. Collection method: clinical testing. Allele origin: germline.

Ambry Genetics
Classification: Likely benign for Cardiovascular phenotype. Last evaluated: 2019-10-30. Review status: criteria provided, single submitter. Criteria: Ambry Variant Classification Scheme 2023. Collection method: clinical testing. Allele origin: germline.

Eurofins Ntd Llc (ga)
Classification: Uncertain significance. Last evaluated: 2018-07-10. Review status: criteria provided, single submitter. Criteria: EGL ClinVar v180209 classification definitions. Collection method: clinical testing. Allele origin: germline. Observed: 2 variant alleles, 2 heterozygotes.

NM_001267550.2(TTN):c.85746A>C (p.Ile28582=)

Genes: TTN (titin; minus strand), TTN-AS1 (TTN antisense RNA 1; plus strand). Cytogenetic location: 2q31.2.
Variant type: single nucleotide variant.
Coding change: c.85746A>C on transcript NM_001267550.2 (MANE Select); coding-DNA position 85746, A replaced by C.
Protein change: p.Ile28582=; no amino-acid change (isoleucine 28582 retained).
Molecular consequence: synonymous variant.
Genome position (GRCh38, 1-based): chr2:178,560,386, T>G on the plus strand (A>C on the coding strand, the complement: TTN is on the minus strand). VCF-style: chr2-178560386-T-G. GRCh37 (hg19) VCF-style: chr2-179425113-T-G.
Other names: c.80823A>C, p.Ile26941= (NM_001256850.1); c.58551A>C, p.Ile19517= (NM_003319.4); c.78042A>C, p.Ile26014= (NM_133378.4); c.58926A>C, p.Ile19642= (NM_133432.3); c.59127A>C, p.Ile19709= (NM_133437.4).
Identifiers: ClinVar variation 592779 (VCV000592779.42), dbSNP rs771116739, ClinGen allele CA1988593.